The following is an entry in ClinVar:

NM_000059.4(BRCA2):c.8114G>A (p.Ser2705Asn)

Gene: BRCA2 (BRCA2 DNA repair associated; plus strand). Cytogenetic location: 13q13.1.
Variant type: single nucleotide variant.
Coding change: c.8114G>A on transcript NM_000059.4 (MANE Select); coding-DNA position 8114, G replaced by A.
Protein change: p.Ser2705Asn; replaces serine 2705 with asparagine.
Molecular consequence: missense variant.
Genome position (GRCh38, 1-based): chr13:32,363,316, G>A. VCF-style: chr13-32363316-G-A. GRCh37 (hg19) VCF-style: chr13-32937453-G-A.
Other names: short protein forms S2705N.
Identifiers: ClinVar variation 630727 (VCV000630727.6), dbSNP rs778806241, ClinGen allele CA387749361.

ClinVar aggregate classification (germline): Uncertain significance. Review status: criteria provided, multiple submitters, no conflicts (2 of 4 stars). 3 submissions from 3 submitters: Uncertain significance (3). Last evaluated 2022-02-27.

Conditions:
Hereditary cancer-predisposing syndrome. Also called: Tumor predisposition; Neoplastic Syndromes, Hereditary; Hereditary neoplastic syndrome; Hereditary Cancer Syndrome. Identifiers: Orphanet 140162, MedGen C0027672, MeSH D009386, MONDO:0015356.

gnomAD v4.1: 1 of 1,614,132 alleles (0.000062%); highest among the groups gnomAD compares: East Asian, 0.0022%; no homozygotes.

Submissions (3):

Ambry Genetics
Classification: Uncertain significance for Hereditary cancer-predisposing syndrome. Last evaluated: 2022-02-27. Review status: criteria provided, single submitter. Criteria: Ambry Variant Classification Scheme 2023. Collection method: clinical testing. Allele origin: germline.
Comment: The p.S2705N variant (also known as c.8114G>A), located in coding exon 17 of the BRCA2 gene, results from a G to A substitution at nucleotide position 8114. The serine at codon 2705 is replaced by asparagine, an amino acid with highly similar properties. This amino acid position is conserved. In addition, this alteration is predicted to be tolerated by in silico analysis. Since supporting evidence is limited at this time, the clinical significance of this alteration remains unclear.

Color Diagnostics, LLC DBA Color Health
Classification: Uncertain significance for Hereditary cancer-predisposing syndrome. Last evaluated: 2019-06-05. Review status: criteria provided, single submitter. Criteria: ACMG Guidelines, 2015. Collection method: clinical testing. Allele origin: germline.

Women's Health and Genetics/Laboratory Corporation of America, LabCorp
Classification: Uncertain significance. Last evaluated: 2018-08-13. Review status: criteria provided, single submitter. Criteria: LabCorp Variant Classification Summary - May 2015. Collection method: clinical testing. Allele origin: germline.
Comment: Variant summary: BRCA2 c.8114G>A (p.Ser2705Asn) results in a conservative amino acid change located in the BRCA2, OB1 domain of the encoded protein sequence. Five of five in-silico tools predict a benign effect of the variant on protein function. The variant was absent in 246098 control chromosomes. The available data on variant occurrences in the general population are insufficient to allow any conclusion about variant significance. To our knowledge, no occurrence of c.8114G>A in individuals affected with Hereditary Breast and Ovarian Cancer and no experimental evidence demonstrating its impact on protein function have been reported. No clinical diagnostic laboratories have submitted clinical-significance assessments for this variant to ClinVar after 2014. Based on the evidence outlined above, the variant was classified as uncertain significance.